The following is an entry in ClinVar:

ClinVar aggregate classification (germline): Uncertain significance. Review status: criteria provided, multiple submitters, no conflicts (2 of 4 stars). 2 submissions from 2 submitters: Uncertain significance (2). Last evaluated 2026-01-16.

Conditions:
DiGeorge syndrome. Also called: THIRD AND FOURTH PHARYNGEAL POUCH SYNDROME; Catch22. Identifiers: Orphanet 567, MedGen C0012236, MONDO:0008564, OMIM 188400.

Allele frequency attached by ClinVar (database versions not stated): TOPMed below 0.00001.

Submissions (2):

Labcorp Genetics (formerly Invitae), Labcorp
Classification: Uncertain significance for DiGeorge syndrome. Last evaluated: 2026-01-16. Review status: criteria provided, single submitter. Criteria: Invitae Variant Classification Sherloc (09022015). Collection method: clinical testing. Allele origin: germline.
Comment: This sequence change replaces alanine, which is neutral and non-polar, with valine, which is neutral and non-polar, at codon 338 of the TBX1 protein (p.Ala338Val). This variant is not present in population databases (gnomAD no frequency). This variant has not been reported in the literature in individuals affected with TBX1-related conditions. ClinVar contains an entry for this variant (Variation ID: 1693773). Invitae Evidence Modeling of protein sequence and biophysical properties (such as structural, functional, and spatial information, amino acid conservation, physicochemical variation, residue mobility, and thermodynamic stability) indicates that this missense variant is not expected to disrupt TBX1 protein function with a negative predictive value of 80%. In summary, the available evidence is currently insufficient to determine the role of this variant in disease. Therefore, it has been classified as a Variant of Uncertain Significance.

Mayo Clinic Laboratories, Mayo Clinic
Classification: Uncertain significance. Last evaluated: 2021-10-21. Review status: criteria provided, single submitter. Criteria: ACMG Guidelines, 2015. Collection method: clinical testing. Allele origin: germline.

NM_001379200.1(TBX1):c.1040C>T (p.Ala347Val)

Gene: TBX1 (T-box transcription factor 1; plus strand). Cytogenetic location: 22q11.21.
Variant type: single nucleotide variant.
Coding change: c.1040C>T on transcript NM_001379200.1 (MANE Select); coding-DNA position 1040, C replaced by T.
Protein change: p.Ala347Val; replaces alanine 347 with valine.
Molecular consequence: missense variant. On other transcripts: intron variant (2).
Genome position (GRCh38, 1-based): chr22:19,766,392, C>T. VCF-style: chr22-19766392-C-T. GRCh37 (hg19) VCF-style: chr22-19753915-C-T.
Other names: p.Ala338Val; c.1013C>T, p.Ala338Val (NM_080647.1); c.1009+390C>T (NM_005992.1, NM_080646.2); short protein forms A338V, A347V.
Identifiers: ClinVar variation 1693773 (VCV001693773.5), dbSNP rs1471161302, ClinGen allele CA410683968.